The following is an entry in ClinVar:

NM_005677.4(COLQ):c.631C>T (p.Gln211Ter)

Gene: COLQ (collagen like tail subunit of asymmetric acetylcholinesterase; minus strand). Cytogenetic location: 3p25.1.
Variant type: single nucleotide variant.
Coding change: c.631C>T on transcript NM_005677.4 (MANE Select); coding-DNA position 631, C replaced by T.
Protein change: p.Gln211Ter; replaces glutamine 211 with a stop codon.
Molecular consequence: nonsense.
Genome position (GRCh38, 1-based): chr3:15,474,005, G>A on the plus strand (C>T on the coding strand, the complement: COLQ is on the minus strand). VCF-style: chr3-15474005-G-A. GRCh37 (hg19) VCF-style: chr3-15515512-G-A.
Other names: c.601C>T, p.Gln201Ter (NM_080538.2); c.529C>T, p.Gln177Ter (NM_080539.4); short protein forms Q177*, Q201*, Q211*.
Identifiers: ClinVar variation 2680856 (VCV002680856.3), dbSNP rs1406384540, ClinGen allele CA351598300.

ClinVar aggregate classification (germline): Pathogenic. Review status: criteria provided, multiple submitters, no conflicts (2 of 4 stars). 2 submissions from 2 submitters: Pathogenic (2). Last evaluated 2024-11-11.

Conditions:
Congenital myasthenic syndrome 5. Identifiers: Orphanet 590, MedGen C1864233, MONDO:0011281, OMIM 603034.

Allele frequency attached by ClinVar (database versions not stated): TOPMed below 0.00001; gnomAD exomes 0.00001.

Submissions (2):

Labcorp Genetics (formerly Invitae), Labcorp
Classification: Pathogenic for Congenital myasthenic syndrome 5. Last evaluated: 2024-11-11. Review status: criteria provided, single submitter. Criteria: Invitae Variant Classification Sherloc (09022015). Collection method: clinical testing. Allele origin: germline.
Comment: This sequence change creates a premature translational stop signal (p.Gln211*) in the COLQ gene. It is expected to result in an absent or disrupted protein product. Loss-of-function variants in COLQ are known to be pathogenic (PMID: 22678886). This variant is not present in population databases (gnomAD no frequency). This premature translational stop signal has been observed in individual(s) with COLQ-related conditions (PMID: 11865139). ClinVar contains an entry for this variant (Variation ID: 2680856). Algorithms developed to predict the effect of sequence changes on RNA splicing suggest that this variant may disrupt the consensus splice site. For these reasons, this variant has been classified as Pathogenic.

Baylor Genetics
Classification: Pathogenic for Congenital myasthenic syndrome 5. Last evaluated: 2023-09-14. Review status: criteria provided, single submitter. Criteria: ACMG Guidelines, 2015. Collection method: clinical testing. Allele origin: unknown.

Literature cited by the submitters: PubMed 22678886 (cited by Labcorp Genetics (formerly Invitae), Labcorp); PubMed 11865139 (cited by Labcorp Genetics (formerly Invitae), Labcorp).